The following is an entry in ClinVar:

ClinVar aggregate classification (germline): Likely benign. Review status: criteria provided, multiple submitters, no conflicts (2 of 4 stars). 2 submissions from 2 submitters: Likely benign (2). Last evaluated 2025-12-10.

Conditions:
NYNRIN-related disorder. Also called: NYNRIN-related condition.

Allele frequency attached by ClinVar (database versions not stated): gnomAD exomes 0.00014; ExAC 0.00035; ESP Exome Variant Server 0.00074; gnomAD 0.00104; 1000 Genomes Project 30x 0.00125; TOPMed 0.00132; 1000 Genomes Project 0.00160.

Submissions (2):

Labcorp Genetics (formerly Invitae), Labcorp
Classification: Likely benign. Last evaluated: 2025-12-10. Review status: criteria provided, single submitter. Criteria: Invitae Variant Classification Sherloc (09022015). Collection method: clinical testing. Allele origin: germline.

PreventionGenetics, part of Exact Sciences
Classification: Likely benign for NYNRIN-related condition. Last evaluated: 2024-11-11. Review status: criteria provided, single submitter. Criteria: ACMG Guidelines, 2015. Collection method: clinical testing. Allele origin: germline.
Comment: This variant is classified as likely benign based on ACMG/AMP sequence variant interpretation guidelines (Richards et al. 2015 PMID: 25741868, with internal and published modifications).

NM_025081.3(NYNRIN):c.2148C>T (p.Gly716=)

Gene: NYNRIN (NYN domain and retroviral integrase containing; plus strand). Cytogenetic location: 14q12.
Variant type: single nucleotide variant.
Coding change: c.2148C>T on transcript NM_025081.3 (MANE Select); coding-DNA position 2148, C replaced by T.
Protein change: p.Gly716=; no amino-acid change (glycine 716 retained).
Molecular consequence: synonymous variant.
Genome position (GRCh38, 1-based): chr14:24,409,942, C>T. VCF-style: chr14-24409942-C-T. GRCh37 (hg19) VCF-style: chr14-24879148-C-T.
Other names: c.2148C>T (NM_025081.2).
Identifiers: ClinVar variation 2742085 (VCV002742085.4), dbSNP rs186691420, ClinGen allele CA7136913.